The following is an entry in ClinVar:

NM_004036.5(ADCY3):c.2056-13_2056-12del

Gene: ADCY3 (adenylate cyclase 3; minus strand). Cytogenetic location: 2p23.3.
Variant type: Deletion.
Coding change: c.2056-13_2056-12del on transcript NM_004036.5 (MANE Select); 13 bases into the intron before coding-DNA position 2056 through 12 bases into the intron before coding-DNA position 2056, 2 bases deleted (CT; older notation c.2056-13_2056-12delCT).
Molecular consequence: intron variant.
Genome position (GRCh38, 1-based): chr2:24,830,837-24,830,838, AG deleted on the plus strand (CT on the coding strand, the reverse complement: ADCY3 is on the minus strand); deleting any 2 consecutive bases within chr2:24,830,837-24,830,839 gives the same sequence; the c. name uses the placement nearest the transcript's 3' end. VCF-style (leftmost placement, unchanged base first): chr2-24830836-CAG-C. GRCh37 (hg19) VCF-style: chr2-25053705-CAG-C.
Other names: c.2056-13_2056-12del (NM_001377130.1, NM_001377129.1, NM_001320613.2 and 1 more transcripts); c.2122-13_2122-12del (NM_001377128.1); c.1333-13_1333-12del (NM_001377131.1).
Identifiers: ClinVar variation 2431849 (VCV002431849.1), dbSNP rs1468632399, ClinGen allele CA531357262.

ClinVar aggregate classification (germline): Uncertain significance (1 of 4 stars; one submission).

Conditions:
BODY MASS INDEX QUANTITATIVE TRAIT LOCUS 19 (BMIQ19). Also called: OBESITY (BMIQ19), SUSCEPTIBILITY TO. Identifiers: MedGen C4693522, OMIM 617885.

Submission:

Laboratorio de Genetica e Diagnostico Molecular, Hospital Israelita Albert Einstein
Classification: Uncertain significance for BODY MASS INDEX QUANTITATIVE TRAIT LOCUS 19. Last evaluated: 2022-07-01. Review status: criteria provided, single submitter. Criteria: ACMG Guidelines, 2015. Collection method: clinical testing. Allele origin: germline. Affected: yes. Observed: 1 variant allele.
Comment: ACMG classification criteria: PM2 moderated